The following is an entry in ClinVar:

NM_000824.5(GLRB):c.*853T>C

Gene: GLRB (glycine receptor beta; plus strand). Cytogenetic location: 4q32.1.
Variant type: single nucleotide variant.
Coding change: c.*853T>C on transcript NM_000824.5 (MANE Select); 853 bases downstream of the stop codon, T replaced by C.
Molecular consequence: 3 prime UTR variant.
Genome position (GRCh38, 1-based): chr4:157,171,581, T>C. VCF-style: chr4-157171581-T-C. GRCh37 (hg19) VCF-style: chr4-158092733-T-C.
Other names: c.*853T>C (NM_001166060.2); c.*1142T>C (NM_001166061.2).
Identifiers: ClinVar variation 347943 (VCV000347943.6), dbSNP rs72685584, ClinGen allele CA10617322.

ClinVar aggregate classification (germline): Benign. Review status: criteria provided, multiple submitters, no conflicts (2 of 4 stars). 2 submissions from 2 submitters: Benign (2). Last evaluated 2018-01-12.

Conditions:
Hyperekplexia 2 (HKPX2). Identifiers: Orphanet 3197, MedGen C3553291, MONDO:0013828, OMIM 614619.

Allele frequency attached by ClinVar (database versions not stated): gnomAD exomes 0.04439; TOPMed 0.07755; 1000 Genomes Project 0.08626; 1000 Genomes Project 30x 0.08666; gnomAD 0.07625 and 0.07650.
gnomAD v4.1: 11,555 of 152,302 alleles (7.6%); highest among the groups gnomAD compares: Middle Eastern, 15%; 579 homozygotes.

Submissions (2):

Illumina Laboratory Services, Illumina
Classification: Benign for Hyperekplexia 2. Last evaluated: 2018-01-12. Review status: criteria provided, single submitter. Criteria: ICSL Variant Classification Criteria 13 December 2019. Collection method: clinical testing. Allele origin: germline.
Comment: This variant was observed in the ICSL laboratory as part of a predisposition screen in an ostensibly healthy population. It had not been previously curated by ICSL or reported in the Human Gene Mutation Database (HGMD: prior to June 1st, 2018), and was therefore a candidate for classification through an automated scoring system. Utilizing variant allele frequency, disease prevalence and penetrance estimates, and inheritance mode, an automated score was calculated to assess if this variant is too frequent to cause the disease. Based on the score and internal cut-off values, a variant classified as benign is not then subjected to further curation. The score for this variant resulted in a classification of benign for this disease.

Breakthrough Genomics
Classification: Benign. Review status: criteria provided, single submitter. Criteria: ACMG Guidelines, 2015. Collection method: not provided. Allele origin: germline. Inheritance: Autosomal recessive inheritance. Affected: yes.